The following is an entry in ClinVar:

NM_001378457.1(DMXL2):c.3490A>T (p.Asn1164Tyr)

Gene: DMXL2 (Dmx like 2; minus strand). Cytogenetic location: 15q21.2.
Variant type: single nucleotide variant.
Coding change: c.3490A>T on transcript NM_001378457.1 (MANE Select); coding-DNA position 3490, A replaced by T.
Protein change: p.Asn1164Tyr; replaces asparagine 1164 with tyrosine.
Molecular consequence: missense variant. On other transcripts: non-coding transcript variant (2), intron variant (2).
Genome position (GRCh38, 1-based): chr15:51,499,734, T>A on the plus strand (A>T on the coding strand, the complement: DMXL2 is on the minus strand). VCF-style: chr15-51499734-T-A. GRCh37 (hg19) VCF-style: chr15-51791931-T-A.
Other names: c.3490A>T, p.Asn1164Tyr (NM_001174116.3, NM_001378458.1, NM_001378459.1 and 4 more transcripts); c.3250A>T, p.Asn1084Tyr (NM_001378464.1); c.2764+7400A>T (NM_001378460.1); c.2765-4600A>T (NM_001174117.3); c.3490A>T (NM_001174116.1); short protein forms N1164Y, N1084Y.
Identifiers: ClinVar variation 1910958 (VCV001910958.5), dbSNP rs748359975, ClinGen allele CA7562155.

ClinVar aggregate classification (germline): Uncertain significance. Review status: criteria provided, multiple submitters, no conflicts (2 of 4 stars). 2 submissions from 2 submitters: Uncertain significance (2). Last evaluated 2023-07-05.

Conditions:
Inborn genetic diseases. Identifiers: MedGen C0950123, MeSH D030342.

Allele frequency attached by ClinVar (database versions not stated): TOPMed below 0.00001; ExAC 0.00001; gnomAD 0.00001; gnomAD exomes 0.00002.
gnomAD v4.1: 25 of 1,614,008 alleles (0.0015%); highest among the groups gnomAD compares: Admixed American, 0.0033%; no homozygotes.

Submissions (2):

Ambry Genetics
Classification: Uncertain significance for Inborn genetic diseases. Last evaluated: 2023-07-05. Review status: criteria provided, single submitter. Criteria: Ambry Variant Classification Scheme 2023. Collection method: clinical testing. Allele origin: germline.

Labcorp Genetics (formerly Invitae), Labcorp
Classification: Uncertain significance. Last evaluated: 2022-11-29. Review status: criteria provided, single submitter. Criteria: Invitae Variant Classification Sherloc (09022015). Collection method: clinical testing. Allele origin: germline.
Comment: In summary, the available evidence is currently insufficient to determine the role of this variant in disease. Therefore, it has been classified as a Variant of Uncertain Significance. Algorithms developed to predict the effect of missense changes on protein structure and function are either unavailable or do not agree on the potential impact of this missense change (SIFT: "Deleterious"; PolyPhen-2: "Probably Damaging"; Align-GVGD: "Class C0"). This variant has not been reported in the literature in individuals affected with DMXL2-related conditions. This variant is present in population databases (rs748359975, gnomAD 0.002%). This sequence change replaces asparagine, which is neutral and polar, with tyrosine, which is neutral and polar, at codon 1164 of the DMXL2 protein (p.Asn1164Tyr).